The following is an entry in ClinVar:

ClinVar aggregate classification (germline): Benign/Likely benign. Review status: criteria provided, multiple submitters, no conflicts (2 of 4 stars). 4 submissions from 4 submitters: Benign (1); Likely benign (2). 1 of the submissions does not count toward it. Last evaluated 2025-12-11.

Conditions:
COG7 congenital disorder of glycosylation (CDG2E). Also called: CONGENITAL DISORDER OF GLYCOSYLATION, TYPE IIe; CDG IIe. Identifiers: Orphanet 79333, MedGen C2931010, MONDO:0012118, OMIM 608779.
COG7-related disorder. Also called: COG7-related condition.

Allele frequency attached by ClinVar (database versions not stated): gnomAD 0.00015 and 0.00039; TOPMed 0.00016; gnomAD exomes 0.00054 and 0.00123; 1000 Genomes Project 30x 0.00125; 1000 Genomes Project 0.00160; ExAC 0.00184.
gnomAD v4.1: 863 of 1,611,436 alleles (0.054%); highest among the groups gnomAD compares: South Asian, 0.8%; 11 homozygotes.

Submissions (4):

Labcorp Genetics (formerly Invitae), Labcorp
Classification: Benign for COG7 congenital disorder of glycosylation. Last evaluated: 2025-12-11. Review status: criteria provided, single submitter. Criteria: Invitae Variant Classification Sherloc (09022015). Collection method: clinical testing. Allele origin: germline.

Illumina Laboratory Services, Illumina
Classification: Likely benign for COG7 congenital disorder of glycosylation. Last evaluated: 2018-01-13. Review status: criteria provided, single submitter. Criteria: ICSL Variant Classification Criteria 13 December 2019. Collection method: clinical testing. Allele origin: germline.
Comment: This variant was observed in the ICSL laboratory as part of a predisposition screen in an ostensibly healthy population. It had not been previously curated by ICSL or reported in the Human Gene Mutation Database (HGMD: prior to June 1st, 2018), and was therefore a candidate for classification through an automated scoring system. Utilizing variant allele frequency, disease prevalence and penetrance estimates, and inheritance mode, an automated score was calculated to assess if this variant is too frequent to cause the disease. Based on the score and internal cut-off values, a variant classified as likely benign is not then subjected to further curation. The score for this variant resulted in a classification of likely benign for this disease.

Breakthrough Genomics
Classification: Likely benign. Review status: criteria provided, single submitter. Criteria: ACMG Guidelines, 2015. Collection method: not provided. Allele origin: germline. Inheritance: Autosomal recessive inheritance. Affected: yes.

PreventionGenetics, part of Exact Sciences
Classification: Benign for COG7-related condition. Last evaluated: 2019-12-09. Review status: no assertion criteria provided. Collection method: clinical testing. Allele origin: germline. Not counted in ClinVar's aggregate classification.
Comment: This variant is classified as benign based on ACMG/AMP sequence variant interpretation guidelines (Richards et al. 2015 PMID: 25741868, with internal and published modifications).

NM_153603.4(COG7):c.835G>A (p.Val279Ile)

Gene: COG7 (component of oligomeric golgi complex 7; minus strand). Cytogenetic location: 16p12.2.
Variant type: single nucleotide variant.
Coding change: c.835G>A on transcript NM_153603.4 (MANE Select); coding-DNA position 835, G replaced by A.
Protein change: p.Val279Ile; replaces valine 279 with isoleucine.
Molecular consequence: missense variant.
Genome position (GRCh38, 1-based): chr16:23,424,923, C>T on the plus strand (G>A on the coding strand, the complement: COG7 is on the minus strand). VCF-style: chr16-23424923-C-T. GRCh37 (hg19) VCF-style: chr16-23436244-C-T.
Other names: short protein forms V279I.
Identifiers: ClinVar variation 318483 (VCV000318483.12), dbSNP rs367796897, ClinGen allele CA7961163.
Genomic context (GRCh38, chr16:23,424,923, plus strand): 5'-TGAGGCAGGAGGGCAGCGAGGGCATGAGGGCCCCCAGGGTCTGAATCAGCAGCACCATTA[C>T]CACCTCGTGGGGCTTCTGGAAAACCTGCAGTGAGAGAGAGGTGTACCTGCCTTAGCACAT-3'
Protein context (NP_705831.1, residues 269-289): TQVFQKPHEV[Val279Ile]MVLLIQTLGA